The following is an entry in ClinVar:

NM_052947.4(ALPK2):c.1893G>C (p.Lys631Asn)

Gene: ALPK2 (alpha kinase 2; minus strand). Cytogenetic location: 18q21.31.
Variant type: single nucleotide variant.
Coding change: c.1893G>C on transcript NM_052947.4 (MANE Select); coding-DNA position 1893, G replaced by C.
Protein change: p.Lys631Asn; replaces lysine 631 with asparagine.
Molecular consequence: missense variant.
Genome position (GRCh38, 1-based): chr18:58,578,883, C>G on the plus strand (G>C on the coding strand, the complement: ALPK2 is on the minus strand). VCF-style: chr18-58578883-C-G. GRCh37 (hg19) VCF-style: chr18-56246115-C-G.
Other names: short protein forms K631N.
Identifiers: ClinVar variation 2626046 (VCV002626046.2), dbSNP rs2518898462, ClinGen allele CA402559605.

ClinVar aggregate classification (germline): Uncertain significance (1 of 4 stars; one submission).

Allele frequency attached by ClinVar (database versions not stated): gnomAD exomes below 0.00001.
gnomAD v4.1: 2 of 1,614,204 alleles (0.00012%); highest among the groups gnomAD compares: Non-Finnish European, 0.00017%; no homozygotes.

Submission:

Ambry Genetics
Classification: Uncertain significance. Last evaluated: 2023-09-09. Review status: criteria provided, single submitter. Criteria: Ambry Variant Classification Scheme 2023. Collection method: clinical testing. Allele origin: germline.
Comment: The p.K631N variant (also known as c.1893G>C), located in coding exon 3 of the ALPK2 gene, results from a G to C substitution at nucleotide position 1893. The lysine at codon 631 is replaced by asparagine, an amino acid with similar properties. This amino acid position is conserved. In addition, this alteration is predicted to be tolerated by in silico analysis. Since supporting evidence is limited at this time, the clinical significance of this alteration remains unclear.